The following is an entry in ClinVar:

NM_001376013.1(EPB41):c.1593C>T (p.Phe531=)

Gene: EPB41 (erythrocyte membrane protein band 4.1; plus strand). Cytogenetic location: 1p35.3.
Variant type: single nucleotide variant.
Coding change: c.1593C>T on transcript NM_001376013.1 (MANE Select); coding-DNA position 1593, C replaced by T.
Protein change: p.Phe531=; no amino-acid change (phenylalanine 531 retained).
Molecular consequence: synonymous variant.
Genome position (GRCh38, 1-based): chr1:29,039,383, C>T. VCF-style: chr1-29039383-C-T. GRCh37 (hg19) VCF-style: chr1-29365895-C-T.
Other names: c.1593C>T, p.Phe531= (NM_001166005.2, NM_001166006.2, NM_001376014.1 and 7 more transcripts); c.966C>T, p.Phe322= (NM_001166007.2, NM_001376022.1, NM_001376023.1 and 7 more transcripts); c.1488C>T, p.Phe496= (NM_203343.3).
Identifiers: ClinVar variation 2498399 (VCV002498399.32), dbSNP rs779972883, ClinGen allele CA724561.

ClinVar aggregate classification (germline): Likely benign. Review status: criteria provided, multiple submitters, no conflicts (2 of 4 stars). 3 submissions from 3 submitters: Likely benign (3). Last evaluated 2025-05-12.

Conditions:
Elliptocytosis 1 (EL1). Also called: 4.1- TRAIT; 4.1-MINUS TRAIT; ELLIPTOCYTOSIS, RHESUS-LINKED TYPE; PROTEIN 4.1 OF ERYTHROCYTE MEMBRANE, DEFECT OF. Identifiers: Orphanet 288, MedGen C2678497, MONDO:0012731, OMIM 611804.

Allele frequency attached by ClinVar (database versions not stated): ExAC 0.00001.
gnomAD v4.1: 25 of 1,613,990 alleles (0.0015%); highest among the groups gnomAD compares: Admixed American, 0.01%; no homozygotes.

Submissions (3):

ARUP Laboratories, Molecular Genetics and Genomics, ARUP Laboratories
Classification: Likely benign for Elliptocytosis 1. Last evaluated: 2025-05-12. Review status: criteria provided, single submitter. Criteria: ARUP Molecular Germline Variant Investigation Process 2024. Collection method: clinical testing. Allele origin: germline.

Labcorp Genetics (formerly Invitae), Labcorp
Classification: Likely benign. Last evaluated: 2024-11-01. Review status: criteria provided, single submitter. Criteria: Invitae Variant Classification Sherloc (09022015). Collection method: clinical testing. Allele origin: germline.

CeGaT Center for Human Genetics Tuebingen
Classification: Likely benign. Last evaluated: 2023-01-01. Review status: criteria provided, single submitter. Criteria: CeGaT Center For Human Genetics Tuebingen Variant Classification Criteria Version 2. Collection method: clinical testing. Allele origin: germline. Affected: yes. Observed: 1 variant allele.
Comment: EPB41: BP4, BP7